The following is an entry in ClinVar:

NM_001004334.4(GPR179):c.5292G>A (p.Trp1764Ter)

Gene: GPR179 (G protein-coupled receptor 179; minus strand). Cytogenetic location: 17q12.
Variant type: single nucleotide variant.
Coding change: c.5292G>A on transcript NM_001004334.4 (MANE Select); coding-DNA position 5292, G replaced by A.
Protein change: p.Trp1764Ter; replaces tryptophan 1764 with a stop codon.
Molecular consequence: nonsense.
Genome position (GRCh38, 1-based): chr17:38,328,277, C>T on the plus strand (G>A on the coding strand, the complement: GPR179 is on the minus strand). VCF-style: chr17-38328277-C-T. GRCh37 (hg19) VCF-style: chr17-36484160-C-T.
Other names: short protein forms W1764*.
Identifiers: ClinVar variation 1380638 (VCV001380638.3), dbSNP rs1350026962, ClinGen allele CA398872568.
Genomic context (GRCh38, chr17:38,328,277, plus strand): 5'-TGGTCCATCAGCATCTAGAGTACCTGGATGCTGAGAACAGGCCCCTGGACCCACACTCCC[C>T]CAGGGACAAGCCACCTCCCACTCTGGGGTTGGCTTCTGTGGCTTCTCTGGAGCAGTAACA-3'

ClinVar aggregate classification (germline): Uncertain significance (1 of 4 stars; one submission).

Allele frequency attached by ClinVar (database versions not stated): TOPMed below 0.00001; gnomAD 0.00001; gnomAD exomes 0.00001.

Submission:

Labcorp Genetics (formerly Invitae), Labcorp
Classification: Uncertain significance. Last evaluated: 2021-03-23. Review status: criteria provided, single submitter. Criteria: Invitae Variant Classification Sherloc (09022015). Collection method: clinical testing. Allele origin: germline.
Comment: This sequence change creates a premature translational stop signal (p.Trp1764*) in the GPR179 gene. While this is not anticipated to result in nonsense mediated decay, it is expected to disrupt the last 604 amino acid(s) of the GPR179 protein. This variant is not present in population databases (ExAC no frequency). This variant has not been reported in the literature in individuals with GPR179-related conditions. Experimental studies and prediction algorithms are not available or were not evaluated, and the functional significance of this variant is currently unknown. In summary, the available evidence is currently insufficient to determine the role of this variant in disease. Therefore, it has been classified as a Variant of Uncertain Significance.